The following is an entry in ClinVar:

NM_001267727.2(ARSG):c.653G>T (p.Ser218Ile)

Genes: ARSG (arylsulfatase G; plus strand), LOC130061524 (ATAC-STARR-seq lymphoblastoid active region 12647; plus strand). Cytogenetic location: 17q24.2.
Variant type: single nucleotide variant.
Coding change: c.653G>T on transcript NM_001267727.2 (MANE Select); coding-DNA position 653, G replaced by T.
Protein change: p.Ser218Ile; replaces serine 218 with isoleucine.
Molecular consequence: missense variant.
Genome position (GRCh38, 1-based): chr17:68,356,753, G>T. VCF-style: chr17-68356753-G-T. GRCh37 (hg19) VCF-style: chr17-66352894-G-T.
Other names: c.653G>T, p.Ser218Ile (NM_001352899.2, NM_001352900.2, NM_001352901.2 and 8 more transcripts); c.605G>T, p.Ser202Ile (NM_001352909.2); c.653G>T (NM_014960.3); short protein forms S202I, S218I.
Identifiers: ClinVar variation 1405987 (VCV001405987.8), dbSNP rs955662861, ClinGen allele CA293290401.

ClinVar aggregate classification (germline): Uncertain significance. Review status: criteria provided, multiple submitters, no conflicts (2 of 4 stars). 2 submissions from 2 submitters: Uncertain significance (2). Last evaluated 2024-03-15.

Allele frequency attached by ClinVar (database versions not stated): gnomAD exomes 0.00001; TOPMed 0.00003.
gnomAD v4.1: 3 of 1,614,212 alleles (0.00019%); highest among the groups gnomAD compares: Admixed American, 0.005%; no homozygotes.

Submissions (2):

Ambry Genetics
Classification: Uncertain significance. Last evaluated: 2024-03-15. Review status: criteria provided, single submitter. Criteria: Ambry Variant Classification Scheme 2023. Collection method: clinical testing. Allele origin: germline.

Labcorp Genetics (formerly Invitae), Labcorp
Classification: Uncertain significance. Last evaluated: 2022-08-09. Review status: criteria provided, single submitter. Criteria: Invitae Variant Classification Sherloc (09022015). Collection method: clinical testing. Allele origin: germline.
Comment: This sequence change replaces serine, which is neutral and polar, with isoleucine, which is neutral and non-polar, at codon 218 of the ARSG protein (p.Ser218Ile). This variant is present in population databases (no rsID available, gnomAD 0.006%). This variant has not been reported in the literature in individuals affected with ARSG-related conditions. ClinVar contains an entry for this variant (Variation ID: 1405987). Algorithms developed to predict the effect of missense changes on protein structure and function are either unavailable or do not agree on the potential impact of this missense change (SIFT: "Tolerated"; PolyPhen-2: "Possibly Damaging"; Align-GVGD: "Class C0"). In summary, the available evidence is currently insufficient to determine the role of this variant in disease. Therefore, it has been classified as a Variant of Uncertain Significance.